The following is an entry in ClinVar:

ClinVar aggregate classification (germline): Pathogenic (1 of 4 stars; one submission).

Conditions:
Senior-Loken syndrome 7 (SLSN7). Identifiers: Orphanet 3156, MedGen C3150877, MONDO:0013326, OMIM 613615.
Bardet-Biedl syndrome 16 (BBS16). Identifiers: Orphanet 110, MedGen C3889474, MONDO:0014444, OMIM 615993.

Submission:

Labcorp Genetics (formerly Invitae), Labcorp
Classification: Pathogenic for Bardet-Biedl syndrome 16; Senior-Loken syndrome 7. Last evaluated: 2018-11-02. Review status: criteria provided, single submitter. Criteria: Invitae Variant Classification Sherloc (09022015). Collection method: clinical testing. Allele origin: germline.
Comment: A gross deletion of the genomic region encompassing the full coding sequence of the SDCCAG8 gene has been identified. The boundaries of this event are unknown as the deletion extends beyond the assayed region for this gene and therefore may encompass additional genes. This variant has not been reported in the literature in individuals with SDCCAG8-related disease. Loss-of-function variants in SDCCAG8 are known to be pathogenic (PMID: 20835237). For these reasons, this variant has been classified as Pathogenic.

Literature cited by the submitters: PubMed 20835237.

NC_000001.11:g.(?_242268256)_(243843190_?)del

Genes: CEP170 (centrosomal protein 170; minus strand), PLD5 (phospholipase D family member 5; minus strand), AKT3 (AKT serine/threonine kinase 3; minus strand), SDCCAG8 (SHH signaling and ciliogenesis regulator SDCCAG8; plus strand), MIR4677 (microRNA 4677; plus strand) and 12 more. Cytogenetic location: 1q43-44.
Variant type: Deletion.
Identifiers: ClinVar variation 660672 (VCV000660672.2).